The following is an entry in ClinVar:

NM_000059.4(BRCA2):c.3025T>C (p.Phe1009Leu)

Gene: BRCA2 (BRCA2 DNA repair associated; plus strand). Cytogenetic location: 13q13.1.
Variant type: single nucleotide variant.
Coding change: c.3025T>C on transcript NM_000059.4 (MANE Select); coding-DNA position 3025, T replaced by C.
Protein change: p.Phe1009Leu; replaces phenylalanine 1009 with leucine.
Molecular consequence: missense variant.
Genome position (GRCh38, 1-based): chr13:32,337,380, T>C. VCF-style: chr13-32337380-T-C. GRCh37 (hg19) VCF-style: chr13-32911517-T-C.
Other names: short protein forms F1009L.
Identifiers: ClinVar variation 1483967 (VCV001483967.13), dbSNP rs2137492339, ClinGen allele CA387774881.

ClinVar aggregate classification (germline): Conflicting classifications of pathogenicity. Review status: criteria provided, conflicting classifications (1 of 4 stars). 4 submissions from 4 submitters: Uncertain significance (3); Likely benign (1). Last evaluated 2025-07-15.

Conditions:
Hereditary cancer-predisposing syndrome. Also called: Hereditary neoplastic syndrome; Neoplastic Syndromes, Hereditary; Hereditary Cancer Syndrome; Tumor predisposition. Identifiers: Orphanet 140162, MedGen C0027672, MeSH D009386, MONDO:0015356.
Hereditary breast ovarian cancer syndrome. Also called: Hereditary breast and/or ovarian cancer syndrome; Hereditary breast and ovarian cancer syndrome (HBOC); Breast and ovarian cancer; Hereditary breast and ovarian cancer; Hereditary breast and ovarian cancer syndrome; BRCA1- and BRCA2-Associated Hereditary Breast and Ovarian Cancer. Identifiers: Orphanet 145, MedGen C0677776, MeSH D061325, MONDO:0003582. Disease mechanism: loss of function.

Submissions (4):

Color Diagnostics, LLC DBA Color Health
Classification: Uncertain significance for Hereditary cancer-predisposing syndrome. Last evaluated: 2025-07-15. Review status: criteria provided, single submitter. Criteria: ACMG Guidelines, 2015. Collection method: clinical testing. Allele origin: germline.
Comment: This missense variant replaces phenylalanine with leucine at codon 1009 of the BRCA2 protein. Computational prediction suggests that this variant may have deleterious impact on protein structure and function. To our knowledge, functional studies have not been reported for this variant. This variant has not been reported in individuals affected with hereditary cancer in the literature and has been reported in 1 unaffected individual (PMID: 33471991). This variant has not been identified in the general population by the Genome Aggregation Database (gnomAD). The available evidence is insufficient to determine the role of this variant in disease conclusively. Therefore, this variant is classified as a Variant of Uncertain Significance.

Ambry Genetics
Classification: Uncertain significance for Hereditary cancer-predisposing syndrome. Last evaluated: 2024-10-03. Review status: criteria provided, single submitter. Criteria: Ambry Variant Classification Scheme 2023. Collection method: clinical testing. Allele origin: germline.
Comment: The p.F1009L variant (also known as c.3025T>C), located in coding exon 10 of the BRCA2 gene, results from a T to C substitution at nucleotide position 3025. The phenylalanine at codon 1009 is replaced by leucine, an amino acid with highly similar properties. This amino acid position is highly conserved in available vertebrate species. In addition, this alteration is predicted to be deleterious by in silico analysis. Based on the available evidence, the clinical significance of this variant remains unclear.

University of Washington Department of Laboratory Medicine, University of Washington
Classification: Likely benign for Hereditary cancer-predisposing syndrome. Last evaluated: 2023-03-23. Review status: criteria provided, single submitter. Criteria: Dines et al. (Genet Med. 2020). Collection method: curation. Allele origin: germline.
Comment: Missense variant in a coldspot region where missense variants are very unlikely to be pathogenic (PMID:31911673).

BRCA2 exon 11 coldspot. Reclassification based on statistical prior probability.

Labcorp Genetics (formerly Invitae), Labcorp
Classification: Uncertain significance for Hereditary breast ovarian cancer syndrome. Last evaluated: 2021-10-23. Review status: criteria provided, single submitter. Criteria: Invitae Variant Classification Sherloc (09022015). Collection method: clinical testing. Allele origin: germline.
Comment: In summary, the available evidence is currently insufficient to determine the role of this variant in disease. Therefore, it has been classified as a Variant of Uncertain Significance. Advanced modeling of protein sequence and biophysical properties (such as structural, functional, and spatial information, amino acid conservation, physicochemical variation, residue mobility, and thermodynamic stability) performed at Invitae indicates that this missense variant is not expected to disrupt BRCA2 protein function. This variant has not been reported in the literature in individuals affected with BRCA2-related conditions. This variant is not present in population databases (ExAC no frequency). This sequence change replaces phenylalanine with leucine at codon 1009 of the BRCA2 protein (p.Phe1009Leu). The phenylalanine residue is highly conserved and there is a small physicochemical difference between phenylalanine and leucine.

Literature cited by the submitters: PubMed 33471991 (cited by Color Diagnostics, LLC DBA Color Health).